The following is an entry in ClinVar:

ClinVar aggregate classification (germline): Uncertain significance. Review status: criteria provided, multiple submitters, no conflicts (2 of 4 stars). 2 submissions from 2 submitters: Uncertain significance (2). Last evaluated 2024-11-22.

Conditions:
Inborn genetic diseases. Identifiers: MedGen C0950123, MeSH D030342.
Baller-Gerold syndrome (BGS). Also called: CRANIOSYNOSTOSIS WITH RADIAL DEFECTS. Identifiers: Orphanet 1225, MedGen C0265308, MONDO:0009039, OMIM 218600.

gnomAD v4.1: 4 of 1,574,612 alleles (0.00025%); highest among the groups gnomAD compares: Non-Finnish European, 0.00034%; no homozygotes.

Submissions (2):

Ambry Genetics
Classification: Uncertain significance for Inborn genetic diseases. Last evaluated: 2024-11-22. Review status: criteria provided, single submitter. Criteria: Ambry Variant Classification Scheme 2023. Collection method: clinical testing. Allele origin: germline.
Comment: The p.A653V variant (also known as c.1958C>T), located in coding exon 12 of the RECQL4 gene, results from a C to T substitution at nucleotide position 1958. The alanine at codon 653 is replaced by valine, an amino acid with similar properties. This amino acid position is conserved. In addition, the in silico prediction for this alteration is inconclusive. Based on the available evidence, the clinical significance of this variant remains unclear.

Labcorp Genetics (formerly Invitae), Labcorp
Classification: Uncertain significance for Baller-Gerold syndrome. Last evaluated: 2022-03-26. Review status: criteria provided, single submitter. Criteria: Invitae Variant Classification Sherloc (09022015). Collection method: clinical testing. Allele origin: germline.
Comment: Experimental studies and prediction algorithms are not available or were not evaluated, and the functional significance of this variant is currently unknown. In summary, the available evidence is currently insufficient to determine the role of this variant in disease. Therefore, it has been classified as a Variant of Uncertain Significance. This variant has not been reported in the literature in individuals affected with RECQL4-related conditions. This variant is not present in population databases (gnomAD no frequency). This sequence change replaces alanine, which is neutral and non-polar, with valine, which is neutral and non-polar, at codon 653 of the RECQL4 protein (p.Ala653Val).

NM_004260.4(RECQL4):c.1958C>T (p.Ala653Val)

Gene: RECQL4 (RecQ like helicase 4; minus strand). Cytogenetic location: 8q24.3.
Variant type: single nucleotide variant.
Coding change: c.1958C>T on transcript NM_004260.4 (MANE Select); coding-DNA position 1958, C replaced by T.
Protein change: p.Ala653Val; replaces alanine 653 with valine.
Molecular consequence: missense variant.
Genome position (GRCh38, 1-based): chr8:144,514,028, G>A on the plus strand (C>T on the coding strand, the complement: RECQL4 is on the minus strand). VCF-style: chr8-144514028-G-A. GRCh37 (hg19) VCF-style: chr8-145739412-G-A.
Other names: c.1958C>T (NM_004260.3); short protein forms A653V.
Identifiers: ClinVar variation 1485714 (VCV001485714.9), dbSNP rs1478522762, ClinGen allele CA372680415.